The following is an entry in ClinVar:

ClinVar aggregate classification (germline): Uncertain significance (1 of 4 stars; one submission).

Conditions:
Osteogenesis imperfecta type 13. Also called: OI, TYPE XIII; Osteogenesis imperfecta, type xiii. Identifiers: Orphanet 666, MedGen C3553887, MONDO:0013924, OMIM 614856.

gnomAD v4.1: 1 of 1,611,604 alleles (0.000062%); highest among the groups gnomAD compares: Admixed American, 0.0017%; no homozygotes.

Submission:

Foundation for Research in Genetics and Endocrinology, FRIGE's Institute of Human Genetics
Classification: Uncertain significance for Osteogenesis imperfecta type 13. Last evaluated: 2022-10-29. Review status: criteria provided, single submitter. Criteria: ACMG Guidelines, 2015. Collection method: clinical testing. Allele origin: germline. Inheritance: Autosomal recessive inheritance. Affected: yes. Observed: 1 heterozygote.
Comment: A heterozygous missense variation in exon 6 of the BMP1 gene that results in the amino acid substitution of Glycine for Arginine at codon 274 was detected. The p.Arg274Gly variant has not been reported in the 1000 genomes, gnomAD databases. The in silico predictions of the variant are probably damaging by PolyPhen-2 (HumDiv) and damaging by SIFT. The reference codon is conserved across species. In summary, the variant meets our criteria to be classified as a variant of uncertain significance.

NM_006129.5(BMP1):c.820C>G (p.Arg274Gly)

Gene: BMP1 (bone morphogenetic protein 1; plus strand). Cytogenetic location: 8p21.3.
Variant type: single nucleotide variant.
Coding change: c.820C>G on transcript NM_006129.5 (MANE Select); coding-DNA position 820, C replaced by G.
Protein change: p.Arg274Gly; replaces arginine 274 with glycine.
Molecular consequence: missense variant. On other transcripts: non-coding transcript variant (2).
Genome position (GRCh38, 1-based): chr8:22,177,941, C>G. VCF-style: chr8-22177941-C-G. GRCh37 (hg19) VCF-style: chr8-22035454-C-G.
Other names: p.Arg274Gly; c.820C>G, p.Arg274Gly (NM_001199.4); short protein forms R274G.
Identifiers: ClinVar variation 1801721 (VCV001801721.3), dbSNP rs754789208, ClinGen allele CA370543427.